The following is an entry in ClinVar:

NM_005120.3(MED12):c.735+15A>G

Gene: MED12 (mediator complex subunit 12; plus strand). Cytogenetic location: Xq13.1.
Variant type: single nucleotide variant.
Coding change: c.735+15A>G on transcript NM_005120.3 (MANE Select); 15 bases into the intron after coding-DNA position 735, A replaced by G.
Molecular consequence: intron variant.
Genome position (GRCh38, 1-based): chrX:71,121,167, A>G. VCF-style: chrX-71121167-A-G. GRCh37 (hg19) VCF-style: chrX-70341017-A-G.
Identifiers: ClinVar variation 511215 (VCV000511215.6), dbSNP rs202206536, ClinGen allele CA10444062.
Genomic context (GRCh38, chrX:71,121,167, plus strand): 5'-CCGGCAGTGGGATTACACCGAGAAGCTGGCCATGTTCATGTTTCAGGTAGAGAGTAGGGC[A>G]TGCTGTGTGGGGCATTGGGTTGAGCTTGAACTTGTACTCTGCCAGTAGAGAACAGAATCT-3'

ClinVar aggregate classification (germline): Likely benign. Review status: criteria provided, multiple submitters, no conflicts (2 of 4 stars). 2 submissions from 2 submitters: Likely benign (2). Last evaluated 2026-01-23.

Conditions:
FG syndrome (FGS). Identifiers: MedGen C0220769, MONDO:0002010.

Allele frequency attached by ClinVar (database versions not stated): gnomAD exomes 0.00001; ExAC 0.00002; gnomAD 0.00002; TOPMed 0.00002; ESP Exome Variant Server 0.00010.
gnomAD v4.1: 10 of 1,207,752 alleles (0.00083%); highest among the groups gnomAD compares: Non-Finnish European, 0.001%; no homozygotes.

Submissions (2):

Labcorp Genetics (formerly Invitae), Labcorp
Classification: Likely benign for FG syndrome. Last evaluated: 2026-01-23. Review status: criteria provided, single submitter. Criteria: Invitae Variant Classification Sherloc (09022015). Collection method: clinical testing. Allele origin: germline.

GeneDx
Classification: Likely benign. Last evaluated: 2017-08-01. Review status: criteria provided, single submitter. Criteria: GeneDx Variant Classification (06012015). Collection method: clinical testing. Allele origin: germline. Affected: yes.
Comment: This variant is considered likely benign or benign based on one or more of the following criteria: it is a conservative change, it occurs at a poorly conserved position in the protein, it is predicted to be benign by multiple in silico algorithms, and/or has population frequency not consistent with disease.